The following is an entry in ClinVar:

ClinVar aggregate classification (germline): Uncertain significance. Review status: criteria provided, multiple submitters, no conflicts (2 of 4 stars). 2 submissions from 2 submitters: Uncertain significance (2). Last evaluated 2025-08-06.

Conditions:
Hereditary cancer-predisposing syndrome. Also called: Tumor predisposition; Neoplastic Syndromes, Hereditary; Hereditary neoplastic syndrome; Hereditary Cancer Syndrome. Identifiers: Orphanet 140162, MedGen C0027672, MeSH D009386, MONDO:0015356.
DICER1-related tumor predisposition. Also called: DICER1-related pleuropulmonary blastoma cancer predisposition syndrome; DICER1 syndrome. Identifiers: Orphanet 284343, MedGen C3839822, MONDO:0100216.

Allele frequency attached by ClinVar (database versions not stated): gnomAD exomes below 0.00001.
gnomAD v4.1: 1 of 1,614,004 alleles (0.000062%); highest among the groups gnomAD compares: South Asian, 0.0011%; no homozygotes.

Submissions (2):

Labcorp Genetics (formerly Invitae), Labcorp
Classification: Uncertain significance for DICER1-related tumor predisposition. Last evaluated: 2025-08-06. Review status: criteria provided, single submitter. Criteria: Invitae Variant Classification Sherloc (09022015). Collection method: clinical testing. Allele origin: germline.
Comment: This sequence change replaces arginine, which is basic and polar, with lysine, which is basic and polar, at codon 86 of the DICER1 protein (p.Arg86Lys). This variant is not present in population databases (gnomAD no frequency). This variant has not been reported in the literature in individuals affected with DICER1-related conditions. ClinVar contains an entry for this variant (Variation ID: 2095849). Invitae Evidence Modeling of protein sequence and biophysical properties (such as structural, functional, and spatial information, amino acid conservation, physicochemical variation, residue mobility, and thermodynamic stability) indicates that this missense variant is not expected to disrupt DICER1 protein function with a negative predictive value of 95%. In summary, the available evidence is currently insufficient to determine the role of this variant in disease. Therefore, it has been classified as a Variant of Uncertain Significance.

Ambry Genetics
Classification: Uncertain significance for Hereditary cancer-predisposing syndrome. Last evaluated: 2023-10-23. Review status: criteria provided, single submitter. Criteria: Ambry Variant Classification Scheme 2023. Collection method: clinical testing. Allele origin: germline.
Comment: The p.R86K variant (also known as c.257G>A), located in coding exon 2 of the DICER1 gene, results from a G to A substitution at nucleotide position 257. The arginine at codon 86 is replaced by lysine, an amino acid with highly similar properties. This amino acid position is conserved. In addition, this alteration is predicted to be tolerated by in silico analysis. Since supporting evidence is limited at this time, the clinical significance of this alteration remains unclear.

NM_177438.3(DICER1):c.257G>A (p.Arg86Lys)

Gene: DICER1 (dicer 1, ribonuclease III; minus strand). Cytogenetic location: 14q32.13.
Variant type: single nucleotide variant.
Coding change: c.257G>A on transcript NM_177438.3 (MANE Select); coding-DNA position 257, G replaced by A.
Protein change: p.Arg86Lys; replaces arginine 86 with lysine.
Molecular consequence: missense variant. On other transcripts: 5 prime UTR variant (9), non-coding transcript variant (6).
Genome position (GRCh38, 1-based): chr14:95,132,565, C>T on the plus strand (G>A on the coding strand, the complement: DICER1 is on the minus strand). VCF-style: chr14-95132565-C-T. GRCh37 (hg19) VCF-style: chr14-95598902-C-T.
Other names: c.257G>A, p.Arg86Lys (NM_001395681.1, NM_001395682.1, NM_001395683.1 and 15 more transcripts); c.-18G>A (NM_001395686.1, NM_001395687.1, NM_001395688.1 and 4 more transcripts); c.-202G>A (NM_001395691.1); c.-1312G>A (NM_001395697.1); short protein forms R86K.
Identifiers: ClinVar variation 2095849 (VCV002095849.5), dbSNP rs1595466060, ClinGen allele CA390889794.